The following is an entry in ClinVar:

ClinVar aggregate classification (germline): Conflicting classifications of pathogenicity. Review status: criteria provided, conflicting classifications (1 of 4 stars). 2 submissions from 2 submitters: Uncertain significance (1); Likely benign (1). Last evaluated 2025-04-01.

Conditions:
Inborn genetic diseases. Identifiers: MedGen C0950123, MeSH D030342.

gnomAD v4.1: 4 of 1,613,312 alleles (0.00025%); highest among the groups gnomAD compares: African/African-American, 0.0053%; no homozygotes.

Submissions (2):

Ambry Genetics
Classification: Likely benign for Inborn genetic diseases. Last evaluated: 2025-04-01. Review status: criteria provided, single submitter. Criteria: Ambry Variant Classification Scheme 2023. Collection method: clinical testing. Allele origin: germline.

GeneDx
Classification: Uncertain significance. Last evaluated: 2024-09-28. Review status: criteria provided, single submitter. Criteria: GeneDx Variant Classification Process June 2021. Collection method: clinical testing. Allele origin: germline. Affected: yes.
Comment: Not observed at significant frequency in large population cohorts (gnomAD); In silico analysis indicates that this missense variant does not alter protein structure/function; Has not been previously published as pathogenic or benign to our knowledge

NM_015937.6(PIGT):c.1547A>G (p.Asn516Ser)

Gene: PIGT (phosphatidylinositol glycan anchor biosynthesis class T; plus strand). Cytogenetic location: 20q13.12.
Variant type: single nucleotide variant.
Coding change: c.1547A>G on transcript NM_015937.6 (MANE Select); coding-DNA position 1547, A replaced by G.
Protein change: p.Asn516Ser; replaces asparagine 516 with serine.
Molecular consequence: missense variant. On other transcripts: non-coding transcript variant (5).
Genome position (GRCh38, 1-based): chr20:45,425,636, A>G. VCF-style: chr20-45425636-A-G. GRCh37 (hg19) VCF-style: chr20-44054276-A-G.
Other names: c.1379A>G, p.Asn460Ser (NM_001184728.3); c.1346A>G, p.Asn449Ser (NM_001184729.3); c.1241A>G, p.Asn414Ser (NM_001184730.3); c.1547A>G (NM_015937.4); short protein forms N414S, N449S, N460S, N516S.
Identifiers: ClinVar variation 3774787 (VCV003774787.2).